The following is an entry in ClinVar:

ClinVar aggregate classification (germline): Likely benign (1 of 4 stars; one submission).

Allele frequency attached by ClinVar (database versions not stated): gnomAD 0.00155; TOPMed 0.00155; ExAC 0.00205; 1000 Genomes Project 30x 0.00219; 1000 Genomes Project 0.00220; ESP Exome Variant Server 0.00139.
gnomAD v4.1: 2,614 of 1,611,504 alleles (0.16%); highest among the groups gnomAD compares: Middle Eastern, 1.5%; 8 homozygotes.

Submissions (2):

CeGaT Center for Human Genetics Tuebingen
Classification: Likely benign. Last evaluated: 2025-11-01. Review status: criteria provided, single submitter. Criteria: CeGaT Center For Human Genetics Tuebingen Variant Classification Criteria Version 2. Collection method: clinical testing. Allele origin: germline. Affected: yes. Observed: 3 variant alleles.
Comment: ARAP2: BS2

Dr. Peter K. Rogan Lab, Western University
No classification provided (evidence only). Condition: Sarcoma. Review status: no classification provided. Collection method: in vitro. Allele origin: not applicable. Functional consequence: retained intron. Not counted in ClinVar's aggregate classification.

NM_015230.4(ARAP2):c.28G>A (p.Asp10Asn)

Gene: ARAP2 (ArfGAP with RhoGAP domain, ankyrin repeat and PH domain 2; minus strand). Cytogenetic location: 4p14.
Variant type: single nucleotide variant.
Coding change: c.28G>A on transcript NM_015230.4 (MANE Select); coding-DNA position 28, G replaced by A.
Protein change: p.Asp10Asn; replaces aspartic acid 10 with asparagine.
Molecular consequence: missense variant. On other transcripts: non-coding transcript variant (2).
Genome position (GRCh38, 1-based): chr4:36,229,459, C>T on the plus strand (G>A on the coding strand, the complement: ARAP2 is on the minus strand). VCF-style: chr4-36229459-C-T. GRCh37 (hg19) VCF-style: chr4-36231081-C-T.
Other names: NC_000004.11:g.36231081C>T; short protein forms D10N.
Identifiers: ClinVar variation 2654709 (VCV002654709.25), dbSNP rs147255071, ClinGen allele CA2885510.
Genomic context (GRCh38, chr4:36,229,459, plus strand): 5'-ACTCATGGAAATGTAAGAGATACTGCTCCAAATTAATGCTCATTAGGAAATCTTTTATAT[C>T]CACATTTACTTCACTGACTGAGGACATAATGGTGGCTTCATTACTAAGCTGAGTTACAAA-3'
Protein context (NP_056045.2, residues 1-20): MSSVSEVNV[Asp10Asn]IKDFLMSINL